The following is an entry in ClinVar:

ClinVar aggregate classification (germline): Uncertain significance (1 of 4 stars; one submission).

Conditions:
ALG12-congenital disorder of glycosylation (CDG1G). Also called: Congenital disorder of glycosylation, type Ig; CDG Ig; ALG12-CDG. Identifiers: Orphanet 79324, MedGen C2931001, MONDO:0011783, OMIM 607143.

Allele frequency attached by ClinVar (database versions not stated): gnomAD exomes below 0.00001; TOPMed below 0.00001.

Submission:

Labcorp Genetics (formerly Invitae), Labcorp
Classification: Uncertain significance for ALG12-congenital disorder of glycosylation. Last evaluated: 2021-10-12. Review status: criteria provided, single submitter. Criteria: Invitae Variant Classification Sherloc (09022015). Collection method: clinical testing. Allele origin: germline.
Comment: This sequence change replaces alanine with valine at codon 267 of the ALG12 protein (p.Ala267Val). The alanine residue is highly conserved and there is a small physicochemical difference between alanine and valine. This variant is not present in population databases (ExAC no frequency). This variant has not been reported in the literature in individuals affected with ALG12-related conditions. Algorithms developed to predict the effect of missense changes on protein structure and function are either unavailable or do not agree on the potential impact of this missense change (SIFT: "Tolerated"; PolyPhen-2: "Possibly Damaging"; Align-GVGD: "Class C0"). In summary, the available evidence is currently insufficient to determine the role of this variant in disease. Therefore, it has been classified as a Variant of Uncertain Significance.

NM_024105.4(ALG12):c.800C>T (p.Ala267Val)

Gene: ALG12 (ALG12 alpha-1,6-mannosyltransferase; minus strand). Cytogenetic location: 22q13.33.
Variant type: single nucleotide variant.
Coding change: c.800C>T on transcript NM_024105.4 (MANE Select); coding-DNA position 800, C replaced by T.
Protein change: p.Ala267Val; replaces alanine 267 with valine.
Molecular consequence: missense variant.
Genome position (GRCh38, 1-based): chr22:49,907,913, G>A on the plus strand (C>T on the coding strand, the complement: ALG12 is on the minus strand). VCF-style: chr22-49907913-G-A. GRCh37 (hg19) VCF-style: chr22-50301561-G-A.
Other names: short protein forms A267V.
Identifiers: ClinVar variation 1510779 (VCV001510779.6), dbSNP rs1287436259, ClinGen allele CA412073854.